The following is an entry in ClinVar:

ClinVar aggregate classification (germline): Uncertain significance. Review status: criteria provided, multiple submitters, no conflicts (2 of 4 stars). 2 submissions from 2 submitters: Uncertain significance (2). Last evaluated 2023-11-27.

Conditions:
Early-infantile DEE. Also called: Ohtahara syndrome; Early infantile epileptic encephalopathy with suppression bursts; Early infantile epileptic encephalopathy. Identifiers: Orphanet 1934, MedGen C0393706, MONDO:0800491.

Submissions (2):

Labcorp Genetics (formerly Invitae), Labcorp
Classification: Uncertain significance for Early-infantile DEE. Last evaluated: 2023-11-27. Review status: criteria provided, single submitter. Criteria: Invitae Variant Classification Sherloc (09022015). Collection method: clinical testing. Allele origin: germline.
Comment: This variant, c.1837_1845del, results in the deletion of 3 amino acid(s) of the SCN8A protein (p.Ser613_Ser615del), but otherwise preserves the integrity of the reading frame. This variant is not present in population databases (gnomAD no frequency). This variant has not been reported in the literature in individuals affected with SCN8A-related conditions. Experimental studies and prediction algorithms are not available or were not evaluated, and the functional significance of this variant is currently unknown. In summary, the available evidence is currently insufficient to determine the role of this variant in disease. Therefore, it has been classified as a Variant of Uncertain Significance.

GeneDx
Classification: Uncertain significance. Last evaluated: 2023-11-17. Review status: criteria provided, single submitter. Criteria: GeneDx Variant Classification Process June 2021. Collection method: clinical testing. Allele origin: germline. Affected: yes.
Comment: Not observed at significant frequency in large population cohorts (gnomAD); In-frame deletion of 3 amino acids in a non-repeat region; In silico analysis supports a deleterious effect on protein structure/function; Has not been previously published as pathogenic or benign to our knowledge

NM_001330260.2(SCN8A):c.1837_1845del (p.Ser613_Ser615del)

Gene: SCN8A (sodium voltage-gated channel alpha subunit 8; plus strand). Cytogenetic location: 12q13.13.
Variant type: Deletion.
Coding change: c.1837_1845del on transcript NM_001330260.2 (MANE Select); coding-DNA positions 1837 to 1845, 9 bases deleted (AGCTACAGC; older notation c.1837_1845delAGCTACAGC).
Protein change: p.Ser613_Ser615del.
Molecular consequence: inframe deletion.
Genome position (GRCh38, 1-based): chr12:51,721,747-51,721,755, AGCTACAGC deleted; deleting any 9 consecutive bases within chr12:51,721,744-51,721,755 gives the same sequence; the c. name uses the placement nearest the transcript's 3' end. VCF-style (leftmost placement, unchanged base first): chr12-51721743-GAGCAGCTAC-G. GRCh37 (hg19) VCF-style: chr12-52115527-GAGCAGCTAC-G.
Other names: c.1837_1845del (NM_014191.3); c.1837_1845del, p.Ser613_Ser615del (NM_001177984.3, NM_001369788.1, NM_014191.4).
Identifiers: ClinVar variation 2976035 (VCV002976035.4), dbSNP rs1942067937, ClinGen allele CA2036149614.